The following is an entry in ClinVar:

NM_000330.4(RS1):c.184+2T>C

Gene: RS1 (retinoschisin 1; minus strand). Cytogenetic location: Xp22.13.
Variant type: single nucleotide variant.
Coding change: c.184+2T>C on transcript NM_000330.4 (MANE Select); the canonical splice donor site of the intron after coding-DNA position 184, T replaced by C.
Molecular consequence: splice donor variant.
Genome position (GRCh38, 1-based): chrX:18,656,651, A>G on the plus strand (T>C on the coding strand, the complement: RS1 is on the minus strand). VCF-style: chrX-18656651-A-G. GRCh37 (hg19) VCF-style: chrX-18674771-A-G.
Identifiers: ClinVar variation 2678457 (VCV002678457.2), dbSNP rs1555959367, ClinGen allele CA412375966.

ClinVar aggregate classification (germline): Likely pathogenic. Review status: criteria provided, multiple submitters, no conflicts (2 of 4 stars). 2 submissions from 2 submitters: Likely pathogenic (2). Last evaluated 2024-11-06.

Conditions:
Juvenile retinoschisis (RS1). Also called: X-Linked Juvenile Retinoschisis; X-linked retinoschisis. Identifiers: Orphanet 792, MedGen C3714753, MONDO:0010725, OMIM 312700.

Submissions (2):

Women's Health and Genetics/Laboratory Corporation of America, LabCorp
Classification: Likely pathogenic for Juvenile retinoschisis. Last evaluated: 2024-11-06. Review status: criteria provided, single submitter. Criteria: LabCorp Variant Classification Summary - May 2015. Collection method: clinical testing. Allele origin: germline.
Comment: Variant summary: RS1 c.184+2T>C is located in a canonical splice-site and is predicted to affect mRNA splicing resulting in a significantly altered protein due to either exon skipping, shortening, or inclusion of intronic material. Variants that disrupt the consensus splice site are a relatively common cause of aberrant splicing and loss of RS1 function. Computational tools predict a significant impact on normal splicing: Three predict the variant weakens a canonical 5' donor site. One predicts the variant has no significant impact on splicing. However, these predictions have yet to be confirmed by functional studies. The variant was absent in 183385 control chromosomes (gnomAD). To our knowledge, no occurrence of c.184+2T>C in individuals affected with Juvenile Retinoschisis and no experimental evidence demonstrating its impact on protein function have been reported. ClinVar contains an entry for this variant (Variation ID: 2678457). Based on the evidence outlined above, the variant was classified as likely pathogenic.

Baylor Genetics
Classification: Likely pathogenic for Juvenile retinoschisis. Last evaluated: 2023-10-23. Review status: criteria provided, single submitter. Criteria: ACMG Guidelines, 2015. Collection method: clinical testing. Allele origin: unknown.